The following is an entry in ClinVar:

ClinVar aggregate classification (germline): Uncertain significance (1 of 4 stars; one submission).

Allele frequency attached by ClinVar (database versions not stated): gnomAD exomes below 0.00001; TOPMed 0.00001; ExAC 0.00002.

Submission:

Labcorp Genetics (formerly Invitae), Labcorp
Classification: Uncertain significance. Last evaluated: 2022-04-13. Review status: criteria provided, single submitter. Criteria: Invitae Variant Classification Sherloc (09022015). Collection method: clinical testing. Allele origin: germline.
Comment: This sequence change replaces methionine, which is neutral and non-polar, with threonine, which is neutral and polar, at codon 1223 of the RTTN protein (p.Met1223Thr). This variant is present in population databases (rs747640492, gnomAD 0.009%). This variant has not been reported in the literature in individuals affected with RTTN-related conditions. Algorithms developed to predict the effect of missense changes on protein structure and function (SIFT, PolyPhen-2, Align-GVGD) all suggest that this variant is likely to be tolerated. In summary, the available evidence is currently insufficient to determine the role of this variant in disease. Therefore, it has been classified as a Variant of Uncertain Significance.

NM_173630.4(RTTN):c.3668T>C (p.Met1223Thr)

Gene: RTTN (rotatin; minus strand). Cytogenetic location: 18q22.2.
Variant type: single nucleotide variant.
Coding change: c.3668T>C on transcript NM_173630.4 (MANE Select); coding-DNA position 3668, T replaced by C.
Protein change: p.Met1223Thr; replaces methionine 1223 with threonine.
Molecular consequence: missense variant.
Genome position (GRCh38, 1-based): chr18:70,114,460, A>G on the plus strand (T>C on the coding strand, the complement: RTTN is on the minus strand). VCF-style: chr18-70114460-A-G. GRCh37 (hg19) VCF-style: chr18-67781696-A-G.
Other names: c.932T>C, p.Met311Thr (NM_001318520.2); short protein forms M311T, M1223T.
Identifiers: ClinVar variation 1923113 (VCV001923113.2), dbSNP rs747640492, ClinGen allele CA8995534.